The following is an entry in ClinVar:

NM_000562.3(C8A):c.213_219del (p.Thr72fs)

Gene: C8A (complement C8 alpha chain; plus strand). Cytogenetic location: 1p32.2.
Variant type: Deletion.
Coding change: c.213_219del on transcript NM_000562.3 (MANE Select); coding-DNA positions 213 to 219, 7 bases deleted (AACCATC; older notation c.213_219delAACCATC).
Protein change: p.Thr72fs; shifts the reading frame from threonine 72.
Molecular consequence: frameshift variant.
Genome position (GRCh38, 1-based): chr1:56,874,990-56,874,996, AACCATC deleted. VCF-style (leftmost placement, unchanged base first): chr1-56874989-GAACCATC-G. GRCh37 (hg19) VCF-style: chr1-57340662-GAACCATC-G.
Other names: short protein forms T72fs.
Identifiers: ClinVar variation 1064346 (VCV001064346.7), dbSNP rs1259084585, ClinGen allele CA522975868.

ClinVar aggregate classification (germline): Pathogenic (1 of 4 stars; one submission).

Allele frequency attached by ClinVar (database versions not stated): gnomAD exomes below 0.00001; gnomAD 0.00001; TOPMed 0.00003.

Submission:

Labcorp Genetics (formerly Invitae), Labcorp
Classification: Pathogenic. Last evaluated: 2023-12-05. Review status: criteria provided, single submitter. Criteria: Invitae Variant Classification Sherloc (09022015). Collection method: clinical testing. Allele origin: germline.
Comment: This sequence change creates a premature translational stop signal (p.Thr72Alafs*18) in the C8A gene. It is expected to result in an absent or disrupted protein product. Loss-of-function variants in C8A are known to be pathogenic (PMID: 9759902). This variant is present in population databases (no rsID available, gnomAD 0.003%). This variant has not been reported in the literature in individuals affected with C8A-related conditions. ClinVar contains an entry for this variant (Variation ID: 1064346). Algorithms developed to predict the effect of sequence changes on RNA splicing suggest that this variant may disrupt the consensus splice site. For these reasons, this variant has been classified as Pathogenic.

Literature cited by the submitters: PubMed 9759902.